The following is an entry in ClinVar:

NM_000059.4(BRCA2):c.6449_6450del (p.Lys2150fs)

Gene: BRCA2 (BRCA2 DNA repair associated; plus strand). Cytogenetic location: 13q13.1.
Variant type: Deletion.
Coding change: c.6449_6450del on transcript NM_000059.4 (MANE Select); coding-DNA positions 6449 to 6450, 2 bases deleted (AA; older notation c.6449_6450delAA).
Protein change: p.Lys2150fs; shifts the reading frame from lysine 2150.
Molecular consequence: frameshift variant.
Genome position (GRCh38, 1-based): chr13:32,340,804-32,340,805, AA deleted; deleting any 2 consecutive bases within chr13:32,340,803-32,340,805 gives the same sequence; the c. name uses the placement nearest the transcript's 3' end. VCF-style (leftmost placement, unchanged base first): chr13-32340802-TAA-T. GRCh37 (hg19) VCF-style: chr13-32914939-TAA-T.
Other names: 6677delAA; c.6449_6450delAA (NM_000059.3).
Identifiers: ClinVar variation 52105 (VCV000052105.7), dbSNP rs80359594, ClinGen allele CA024064.

ClinVar aggregate classification (germline): Pathogenic. Review status: reviewed by expert panel (3 of 4 stars). 6 submissions from 6 submitters: Pathogenic (1). 5 of the submissions do not count toward it. Last evaluated 2016-09-08.

Conditions:
Breast and/or ovarian cancer. Identifiers: MedGen CN221562.
Hereditary breast ovarian cancer syndrome. Also called: Hereditary breast and ovarian cancer syndrome; Hereditary breast and ovarian cancer; Hereditary breast and ovarian cancer syndrome (HBOC); Breast and ovarian cancer; Hereditary breast and/or ovarian cancer syndrome; BRCA1- and BRCA2-Associated Hereditary Breast and Ovarian Cancer. Identifiers: Orphanet 145, MedGen C0677776, MeSH D061325, MONDO:0003582. Disease mechanism: loss of function.
Breast-ovarian cancer, familial, susceptibility to, 2 (BROVCA2). Also called: BRCA2 Hereditary Breast and Ovarian Cancer. Identifiers: Orphanet 145, MedGen C2675520, MONDO:0012933, OMIM 612555. Disease mechanism: loss of function.

Submissions (6):

Evidence-based Network for the Interpretation of Germline Mutant Alleles (ENIGMA)
Classification: Pathogenic for Breast-ovarian cancer, familial, susceptibility to, 2. Last evaluated: 2016-09-08. Review status: reviewed by expert panel. Criteria: ENIGMA BRCA1/2 Classification Criteria (2015). Collection method: curation. Allele origin: germline.
Comment: Variant allele predicted to encode a truncated non-functional protein.

Women's Health and Genetics/Laboratory Corporation of America, LabCorp
Classification: Pathogenic for Hereditary breast ovarian cancer syndrome. Last evaluated: 2017-02-03. Review status: criteria provided, single submitter. Criteria: LabCorp Variant Classification Summary - May 2015. Collection method: clinical testing. Allele origin: germline. Not counted in ClinVar's aggregate classification.
Comment: Variant summary: The BRCA2 c.6449_6450delAA (p.Lys2150Serfs) variant results in a premature termination codon, predicted to cause a truncated or absent BRCA2 protein due to nonsense mediated decay, which are commonly known mechanisms for disease. One in silico tool predicts a damaging outcome for this variant. This variant is absent in 118150 control chromosomes. Multiple publications cite this variant in affected individuals. In addition, multiple clinical diagnostic laboratories/reputable databases classified this variant as pathogenic. Taken together, this variant is classified as pathogenic.

Consortium of Investigators of Modifiers of BRCA1/2 (CIMBA), c/o University of Cambridge
Classification: Pathogenic for Breast-ovarian cancer, familial, susceptibility to, 2. Last evaluated: 2015-10-02. Review status: criteria provided, single submitter. Criteria: CIMBA Mutation Classification guidelines May 2016. Collection method: clinical testing. Allele origin: germline. Not counted in ClinVar's aggregate classification.

GeneDx
Classification: Pathogenic. Last evaluated: 2015-02-16. Review status: criteria provided, single submitter. Criteria: GeneDx Variant Classification (06012015). Collection method: clinical testing. Allele origin: germline. Affected: yes. Not counted in ClinVar's aggregate classification.
Comment: This deletion of 2 nucleotides in BRCA2 is denoted c.6449_6450delAA at the cDNA level and p.Lys2150SerfsX25 (K2150SfsX25) at the protein level. The normal sequence, with the bases that are deleted in brackets, is ATTA[AA]GTTT. The deletion causes a frameshift, which changes a Lysine to a Serine at codon 2150, and creates a premature stop codon at position 25 of the new reading frame. This variant is predicted to cause loss of normal protein function through either protein truncation or nonsense-mediated mRNA decay. BRCA2 c.6449_6450delAA, previously reported as 6677_6678delAA, has been observed in association with breast and/or ovarian cancer (Foretova 2004). we consider this variant to be pathogenic.

CZECANCA consortium
Classification: Pathogenic for Breast and/or ovarian cancer. Last evaluated: 2019-06-11. Review status: no assertion criteria provided. Collection method: clinical testing. Allele origin: germline. Affected: yes. Observed: 1 variant allele. Not counted in ClinVar's aggregate classification.

Breast Cancer Information Core (BIC) (BRCA2)
Classification: Pathogenic for Breast-ovarian cancer, familial 2. Last evaluated: 2005-09-27. Review status: no assertion criteria provided. Collection method: clinical testing. Allele origin: germline. Affected: yes. Observed: 1 variant allele. Not counted in ClinVar's aggregate classification.

Literature cited by the submitters: PubMed 18489799 (cited by Women's Health and Genetics/Laboratory Corporation of America, LabCorp); PubMed 15024741 (cited by Women's Health and Genetics/Laboratory Corporation of America, LabCorp and Breast Cancer Information Core (BIC) (BRCA2)); PubMed 25863477 (cited by Women's Health and Genetics/Laboratory Corporation of America, LabCorp); PubMed 32295079 (cited by CZECANCA consortium).